The following is an entry in ClinVar:

NM_003361.4(UMOD):c.1763G>A (p.Arg588Gln)

Gene: UMOD (uromodulin; minus strand). Cytogenetic location: 16p12.3.
Variant type: single nucleotide variant.
Coding change: c.1763G>A on transcript NM_003361.4 (MANE Select); coding-DNA position 1763, G replaced by A.
Protein change: p.Arg588Gln; replaces arginine 588 with glutamine.
Molecular consequence: missense variant. On other transcripts: non-coding transcript variant (1).
Genome position (GRCh38, 1-based): chr16:20,336,705, C>T on the plus strand (G>A on the coding strand, the complement: UMOD is on the minus strand). VCF-style: chr16-20336705-C-T. GRCh37 (hg19) VCF-style: chr16-20348027-C-T.
Other names: c.1763G>A, p.Arg588Gln (NM_001008389.3, NM_001378232.1, NM_001378233.1); c.1862G>A, p.Arg621Gln (NM_001278614.2); c.1904G>A, p.Arg635Gln (NM_001378234.1, NM_001378235.1); short protein forms R588Q, R621Q, R635Q.
Identifiers: ClinVar variation 64444 (VCV000064444.7), dbSNP rs387907549, ClinGen allele CA216153.
Genomic context (GRCh38, chr16:20,336,705, plus strand): 5'-CCTTTCCGTGTGATGGGACCCAAGTTCAGGACACGGGATTGATCTATGACACTCCCACTT[C>T]GGAATCTGGTCCCAGAGCAGGTCTACAGGGAGAGGGCAATAGAAAAACACCCTCCATGAA-3'
Protein context (NP_003352.2, residues 578-598): CKPTCSGTRF[Arg588Gln]SGSVIDQSRV

ClinVar aggregate classification (germline): Conflicting classifications of pathogenicity. Review status: criteria provided, conflicting classifications (1 of 4 stars). 4 submissions from 4 submitters: Uncertain significance (2); Likely benign (1). 1 of the submissions does not count toward it. Last evaluated 2023-05-20.

Conditions:
Familial juvenile hyperuricemic nephropathy type 1 (ADTKD1). Also called: Autosomal Dominant Tubulointerstitial Kidney Disease – UMOD; UMOD-Associated Kidney Disease; Uromodulin-associated kidney disease; Glomerulocystic kidney disease with hyperuricemia and isosthenuria; Medullary cystic kidney disease 2. Identifiers: Orphanet 209886, Orphanet 34149, Orphanet 88950, MedGen C4551496, MONDO:0008073, OMIM 162000.

Allele frequency attached by ClinVar (database versions not stated): TOPMed 0.00012; ExAC 0.00006; gnomAD exomes 0.00007; 1000 Genomes Project 30x 0.00047; gnomAD 0.00013 and 0.00014; 1000 Genomes Project 0.00040.
gnomAD v4.1: 72 of 1,614,128 alleles (0.0045%); highest among the groups gnomAD compares: African/African-American, 0.043%; 1 homozygote.

Submissions (4):

Labcorp Genetics (formerly Invitae), Labcorp
Classification: Likely benign. Last evaluated: 2023-05-20. Review status: criteria provided, single submitter. Criteria: Invitae Variant Classification Sherloc (09022015). Collection method: clinical testing. Allele origin: germline.

Fulgent Genetics
Classification: Uncertain significance for Familial juvenile hyperuricemic nephropathy type 1. Last evaluated: 2021-07-13. Review status: criteria provided, single submitter. Criteria: ACMG Guidelines, 2015. Collection method: clinical testing. Allele origin: unknown.

Breakthrough Genomics
Classification: Uncertain significance. Review status: criteria provided, single submitter. Criteria: ACMG Guidelines, 2015. Collection method: not provided. Allele origin: germline. Inheritance: Autosomal dominant inheritance. Affected: yes.

Martin Pollak Laboratory,  Beth Israel Deaconess Medical Center
Classification: Uncertain significance. Review status: no assertion criteria provided. Collection method: not provided. Allele origin: unknown. Not counted in ClinVar's aggregate classification.
Comment: Higher UCa2+ group
ClinVar note: Converted during submission from unknown to Uncertain significance.